The following is an entry in ClinVar:

NM_015692.5(CPAMD8):c.1892G>C (p.Arg631Pro)

Gene: CPAMD8 (C3 and PZP like alpha-2-macroglobulin domain containing 8; minus strand). Cytogenetic location: 19p13.11.
Variant type: single nucleotide variant.
Coding change: c.1892G>C on transcript NM_015692.5 (MANE Select); coding-DNA position 1892, G replaced by C.
Protein change: p.Arg631Pro; replaces arginine 631 with proline.
Molecular consequence: missense variant.
Genome position (GRCh38, 1-based): chr19:16,976,018, C>G on the plus strand (G>C on the coding strand, the complement: CPAMD8 is on the minus strand). VCF-style: chr19-16976018-C-G. GRCh37 (hg19) VCF-style: chr19-17086828-C-G.
Other names: short protein forms R631P.
Identifiers: ClinVar variation 2409728 (VCV002409728.29), dbSNP rs759959118, ClinGen allele CA9285535.
Genomic context (GRCh38, chr19:16,976,018, plus strand): 5'-AGCCCCGTGGAGGTCTAGAACCCAAGCCCGAGGGGTCTGCTCACCTGGGCAGGAGTCAGC[C>G]GGAACCCAGACCTGAGCAGGTAGACACTCTTATCAACTGCGGCGACGCACACACAGCTGC-3'
Protein context (NP_056507.3, residues 621-641): KSVYLLRSGF[Arg631Pro]LTPAQVFQEL

ClinVar aggregate classification (germline): Uncertain significance. Review status: criteria provided, multiple submitters, no conflicts (2 of 4 stars). 3 submissions from 3 submitters: Uncertain significance (3). Last evaluated 2025-10-26.

Conditions:
Inborn genetic diseases. Identifiers: MedGen C0950123, MeSH D030342.

gnomAD v4.1: 90 of 1,596,782 alleles (0.0056%); highest among the groups gnomAD compares: Non-Finnish European, 0.007%; no homozygotes.

Submissions (3):

Labcorp Genetics (formerly Invitae), Labcorp
Classification: Uncertain significance. Last evaluated: 2025-10-26. Review status: criteria provided, single submitter. Criteria: Invitae Variant Classification Sherloc (09022015). Collection method: clinical testing. Allele origin: germline.
Comment: This sequence change replaces arginine, which is basic and polar, with proline, which is neutral and non-polar, at codon 678 of the CPAMD8 protein (p.Arg678Pro). This variant is present in population databases (rs759959118, gnomAD 0.01%). This variant has not been reported in the literature in individuals affected with CPAMD8-related conditions. ClinVar contains an entry for this variant (Variation ID: 2409728). An algorithm developed to predict the effect of missense changes on protein structure and function (PolyPhen-2) suggests that this variant is likely to be tolerated. In summary, the available evidence is currently insufficient to determine the role of this variant in disease. Therefore, it has been classified as a Variant of Uncertain Significance.

CeGaT Center for Human Genetics Tuebingen
Classification: Uncertain significance. Last evaluated: 2023-03-01. Review status: criteria provided, single submitter. Criteria: CeGaT Center For Human Genetics Tuebingen Variant Classification Criteria Version 2. Collection method: clinical testing. Allele origin: germline. Affected: yes. Observed: 1 variant allele.
Comment: CPAMD8: PM2, BP4

Ambry Genetics
Classification: Uncertain significance for Inborn genetic diseases. Last evaluated: 2022-03-22. Review status: criteria provided, single submitter. Criteria: Ambry Variant Classification Scheme 2023. Collection method: clinical testing. Allele origin: germline.